The following is an entry in ClinVar:

NM_018082.6(POLR3B):c.2570+5G>A

Gene: POLR3B (RNA polymerase III subunit B; plus strand). Cytogenetic location: 12q23.3.
Variant type: single nucleotide variant.
Coding change: c.2570+5G>A on transcript NM_018082.6 (MANE Select); 5 bases into the intron after coding-DNA position 2570, G replaced by A.
Molecular consequence: intron variant.
Genome position (GRCh38, 1-based): chr12:106,459,373, G>A. VCF-style: chr12-106459373-G-A. GRCh37 (hg19) VCF-style: chr12-106853151-G-A.
Other names: c.2396+5G>A (NM_001160708.2).
Identifiers: ClinVar variation 3253524 (VCV003253524.3), dbSNP rs2037906616.

ClinVar aggregate classification (germline): Conflicting classifications of pathogenicity. Review status: criteria provided, conflicting classifications (1 of 4 stars). 3 submissions from 3 submitters: Likely pathogenic (1); Uncertain significance (2). Last evaluated 2024-10-08.

Allele frequency attached by ClinVar (database versions not stated): gnomAD exomes 0.00001.
gnomAD v4.1: 7 of 1,343,268 alleles (0.00052%); highest among the groups gnomAD compares: Non-Finnish European, 0.00075%; no homozygotes.

Submissions (3):

Blueprint Genetics
Classification: Uncertain significance. Last evaluated: 2024-10-08. Review status: criteria provided, single submitter. Criteria: ACMG Guidelines, 2015. Collection method: clinical testing. Allele origin: germline.

GeneDx
Classification: Likely pathogenic. Last evaluated: 2024-06-14. Review status: criteria provided, single submitter. Criteria: GeneDx Variant Classification Process June 2021. Collection method: clinical testing. Allele origin: germline. Affected: yes.
Comment: Observed with a POLR3B variant on the opposite allele (in trans) in a patient with features consistent with POLR3B-related disorder referred for genetic testing at GeneDx (PMID: 28252636); Intronic variant directly or indirectly altering the +5 splice site in a gene for which loss of function is a known mechanism of disease, and splice predictors support a deleterious effect; Not observed in large population cohorts (gnomAD); This variant is associated with the following publications: (PMID: 28252636)

Greenwood Genetic Center Diagnostic Laboratories, Greenwood Genetic Center
Classification: Uncertain significance. Last evaluated: 2024-05-16. Review status: criteria provided, single submitter. Criteria: ACMG Guidelines, 2015. Collection method: clinical testing. Allele origin: germline. Affected: yes.
Comment: PM2, PP3